The following is an entry in ClinVar:

NM_006946.4(SPTBN2):c.5630dup (p.Ile1878fs)

Gene: SPTBN2 (spectrin beta, non-erythrocytic 2; minus strand). Cytogenetic location: 11q13.2.
Variant type: Duplication.
Coding change: c.5630dup on transcript NM_006946.4 (MANE Select); coding-DNA position 5630, one base duplicated (A; older notation c.5630dupA).
Protein change: p.Ile1878fs; shifts the reading frame from isoleucine 1878.
Molecular consequence: frameshift variant.
Genome position (GRCh38, 1-based): chr11:66,690,219, T duplicated on the plus strand (A on the coding strand, the reverse complement: SPTBN2 is on the minus strand). VCF-style (leftmost placement, unchanged base first): chr11-66690218-C-CT. GRCh37 (hg19) VCF-style: chr11-66457689-C-CT.
Other names: c.5651dup, p.Ile1885Aspfs (NM_001411025.1); c.5630dup (NM_006946.3); short protein forms I1878fs.
Identifiers: ClinVar variation 2099985 (VCV002099985.5), dbSNP rs2495858678, ClinGen allele CA2580084551.

ClinVar aggregate classification (germline): Pathogenic/Likely pathogenic. Review status: criteria provided, multiple submitters, no conflicts (2 of 4 stars). 2 submissions from 2 submitters: Pathogenic (1); Likely pathogenic (1). Last evaluated 2023-11-06.

Submissions (2):

Revvity Omics, Revvity
Classification: Likely pathogenic. Last evaluated: 2023-11-06. Review status: criteria provided, single submitter. Criteria: ACMG Guidelines, 2015. Collection method: clinical testing. Allele origin: germline.

Labcorp Genetics (formerly Invitae), Labcorp
Classification: Pathogenic. Last evaluated: 2022-10-13. Review status: criteria provided, single submitter. Criteria: Invitae Variant Classification Sherloc (09022015). Collection method: clinical testing. Allele origin: germline.
Comment: This sequence change creates a premature translational stop signal (p.Ile1878Aspfs*48) in the SPTBN2 gene. It is expected to result in an absent or disrupted protein product. Loss-of-function variants in SPTBN2 are known to be pathogenic (PMID: 28636205). This variant is not present in population databases (gnomAD no frequency). This variant has not been reported in the literature in individuals affected with SPTBN2-related conditions. For these reasons, this variant has been classified as Pathogenic.

Literature cited by the submitters: PubMed 28636205 (cited by Labcorp Genetics (formerly Invitae), Labcorp).